The following is an entry in ClinVar:

ClinVar aggregate classification (germline): Uncertain significance. Review status: criteria provided, multiple submitters, no conflicts (2 of 4 stars). 2 submissions from 2 submitters: Uncertain significance (2). Last evaluated 2025-01-29.

Allele frequency attached by ClinVar (database versions not stated): gnomAD 0.00001; gnomAD exomes 0.00001; ExAC 0.00002.
gnomAD v4.1: 15 of 1,614,126 alleles (0.00093%); highest among the groups gnomAD compares: Non-Finnish European, 0.0013%; no homozygotes.

Submissions (2):

Labcorp Genetics (formerly Invitae), Labcorp
Classification: Uncertain significance. Last evaluated: 2025-01-29. Review status: criteria provided, single submitter. Criteria: Invitae Variant Classification Sherloc (09022015). Collection method: clinical testing. Allele origin: germline.
Comment: This sequence change replaces asparagine, which is neutral and polar, with serine, which is neutral and polar, at codon 862 of the NPAT protein (p.Asn862Ser). This variant is present in population databases (rs776391640, gnomAD 0.003%). This variant has not been reported in the literature in individuals affected with NPAT-related conditions. ClinVar contains an entry for this variant (Variation ID: 1793420). An algorithm developed to predict the effect of missense changes on protein structure and function outputs the following: PolyPhen-2: "Benign". The serine amino acid residue is found in multiple mammalian species, which suggests that this missense change does not adversely affect protein function. In summary, the available evidence is currently insufficient to determine the role of this variant in disease. Therefore, it has been classified as a Variant of Uncertain Significance.

Ambry Genetics
Classification: Uncertain significance. Last evaluated: 2023-07-19. Review status: criteria provided, single submitter. Criteria: Ambry Variant Classification Scheme 2023. Collection method: clinical testing. Allele origin: germline.
Comment: The p.N862S variant (also known as c.2585A>G), located in coding exon 13 of the NPAT gene, results from an A to G substitution at nucleotide position 2585. The asparagine at codon 862 is replaced by serine, an amino acid with highly similar properties. This amino acid position is conserved. In addition, this alteration is predicted to be tolerated by in silico analysis. Since supporting evidence is limited at this time, the clinical significance of this alteration remains unclear.

NM_002519.3(NPAT):c.2585A>G (p.Asn862Ser)

Gene: NPAT (nuclear protein, coactivator of histone transcription; minus strand). Cytogenetic location: 11q22.3.
Variant type: single nucleotide variant.
Coding change: c.2585A>G on transcript NM_002519.3 (MANE Select); coding-DNA position 2585, A replaced by G.
Protein change: p.Asn862Ser; replaces asparagine 862 with serine.
Molecular consequence: missense variant.
Genome position (GRCh38, 1-based): chr11:108,172,399, T>C on the plus strand (A>G on the coding strand, the complement: NPAT is on the minus strand). VCF-style: chr11-108172399-T-C. GRCh37 (hg19) VCF-style: chr11-108043126-T-C.
Other names: c.2585A>G, p.Asn862Ser (NM_001321307.1); short protein forms N862S.
Identifiers: ClinVar variation 1793420 (VCV001793420.5), dbSNP rs776391640, ClinGen allele CA6263791.